The following is an entry in ClinVar:

ClinVar aggregate classification (germline): Uncertain significance (1 of 4 stars; one submission).

Submission:

GeneDx
Classification: Uncertain significance. Last evaluated: 2024-01-21. Review status: criteria provided, single submitter. Criteria: GeneDx Variant Classification Process June 2021. Collection method: clinical testing. Allele origin: germline. Affected: yes.
Comment: Not observed at significant frequency in large population cohorts (gnomAD); In silico analysis supports that this missense variant has a deleterious effect on protein structure/function; Has not been previously published as pathogenic or benign to our knowledge

NM_024757.5(EHMT1):c.3766T>C (p.Cys1256Arg)

Gene: EHMT1 (euchromatic histone lysine methyltransferase 1; plus strand). Cytogenetic location: 9q34.3.
Variant type: single nucleotide variant.
Coding change: c.3766T>C on transcript NM_024757.5 (MANE Select); coding-DNA position 3766, T replaced by C.
Protein change: p.Cys1256Arg; replaces cysteine 1256 with arginine.
Molecular consequence: missense variant.
Genome position (GRCh38, 1-based): chr9:137,834,822, T>C. VCF-style: chr9-137834822-T-C. GRCh37 (hg19) VCF-style: chr9-140729274-T-C.
Other names: c.3745T>C, p.Cys1249Arg (NM_001354263.2); short protein forms C1249R, C1256R.
Identifiers: ClinVar variation 3368189 (VCV003368189.1).